The following is an entry in ClinVar:

ClinVar aggregate classification (germline): Uncertain significance (1 of 4 stars; one submission).

Submission:

Labcorp Genetics (formerly Invitae), Labcorp
Classification: Uncertain significance. Last evaluated: 2025-02-03. Review status: criteria provided, single submitter. Criteria: Invitae Variant Classification Sherloc (09022015). Collection method: clinical testing. Allele origin: germline.
Comment: This sequence change replaces proline, which is neutral and non-polar, with serine, which is neutral and polar, at codon 511 of the BACH2 protein (p.Pro511Ser). This variant is not present in population databases (gnomAD no frequency). This variant has not been reported in the literature in individuals affected with BACH2-related conditions. Invitae Evidence Modeling of protein sequence and biophysical properties (such as structural, functional, and spatial information, amino acid conservation, physicochemical variation, residue mobility, and thermodynamic stability) indicates that this missense variant is not expected to disrupt BACH2 protein function with a negative predictive value of 80%. In summary, the available evidence is currently insufficient to determine the role of this variant in disease. Therefore, it has been classified as a Variant of Uncertain Significance.

NM_021813.4(BACH2):c.1531C>T (p.Pro511Ser)

Gene: BACH2 (BACH transcriptional regulator 2; minus strand). Cytogenetic location: 6q15.
Variant type: single nucleotide variant.
Coding change: c.1531C>T on transcript NM_021813.4 (MANE Select); coding-DNA position 1531, C replaced by T.
Protein change: p.Pro511Ser; replaces proline 511 with serine.
Molecular consequence: missense variant.
Genome position (GRCh38, 1-based): chr6:89,950,575, G>A on the plus strand (C>T on the coding strand, the complement: BACH2 is on the minus strand). VCF-style: chr6-89950575-G-A. GRCh37 (hg19) VCF-style: chr6-90660294-G-A.
Other names: c.1531C>T, p.Pro511Ser (NM_001170794.2); short protein forms P511S.
Identifiers: ClinVar variation 3678989 (VCV003678989.2).